The following is an entry in ClinVar:

NM_001814.6(CTSC):c.503A>G (p.Tyr168Cys)

Gene: CTSC (cathepsin C; minus strand). Cytogenetic location: 11q14.2.
Variant type: single nucleotide variant.
Coding change: c.503A>G on transcript NM_001814.6 (MANE Select); coding-DNA position 503, A replaced by G.
Protein change: p.Tyr168Cys; replaces tyrosine 168 with cysteine.
Molecular consequence: missense variant.
Genome position (GRCh38, 1-based): chr11:88,309,301, T>C on the plus strand (A>G on the coding strand, the complement: CTSC is on the minus strand). VCF-style: chr11-88309301-T-C. GRCh37 (hg19) VCF-style: chr11-88042469-T-C.
Other names: short protein forms Y168C.
Identifiers: ClinVar variation 3769221 (VCV003769221.2).
Genomic context (GRCh38, chr11:88,309,301, plus strand): 5'-GTTGCAGTCCAAGACTTCTGAATGGCATTGATAGCTTTCACAAAGTTGTGATCATACTTG[T>C]AGAGCCTATTAGAATACCTGTCCCCAAAAATGAGATAATTTCAGATATAGTCTTTACTGA-3'
Protein context (NP_001805.4, residues 158-178): NSQEKYSNRL[Tyr168Cys]KYDHNFVKAI

ClinVar aggregate classification (germline): Pathogenic (1 of 4 stars; one submission).

Conditions:
Papillon-Lefèvre syndrome (PALS). Also called: KERATOSIS PALMOPLANTARIS WITH PERIODONTOPATHIA; Papillon-Lefevre Disease. Identifiers: Orphanet 678, MedGen C0030360, MONDO:0009490, OMIM 245000.

gnomAD v4.1: 9 of 1,613,524 alleles (0.00056%); highest among the groups gnomAD compares: African/African-American, 0.0013%; no homozygotes.

Submission:

Women's Health and Genetics/Laboratory Corporation of America, LabCorp
Classification: Pathogenic for Papillon-Lefèvre syndrome. Last evaluated: 2025-01-29. Review status: criteria provided, single submitter. Criteria: LabCorp Variant Classification Summary - May 2015. Collection method: clinical testing. Allele origin: germline.
Comment: Variant summary: CTSC c.503A>G (p.Tyr168Cys) results in a non-conservative amino acid change in the encoded protein sequence. Five of five in-silico tools predict a damaging effect of the variant on protein function. The variant allele was found at a frequency of 4e-06 in 251230 control chromosomes. c.503A>G has been reported in the literature in multiple homozygous individuals affected with Papillon-Lefevre syndrome (Srensen_2014, Sanchez Klose_2021). These data indicate that the variant is very likely to be associated with disease. At least one publication reports experimental evidence evaluating an impact on protein function. The most pronounced variant effect results in complete loss of protein expression in mature hematopoietic sutset of cells (Srensen_2014, Sanchez Klose_2021). The following publications have been ascertained in the context of this evaluation (PMID: 34932608, 25244098). No submitters have cited clinical-significance assessments for this variant to ClinVar. Based on the evidence outlined above, the variant was classified as pathogenic.

Literature cited by the submitters: PubMed 34932608; PubMed 25244098.